The following is an entry in ClinVar:

ClinVar aggregate classification (germline): Uncertain significance. Review status: criteria provided, multiple submitters, no conflicts (2 of 4 stars). 2 submissions from 2 submitters: Uncertain significance (2). Last evaluated 2023-08-28.

Conditions:
Idiopathic Pulmonary Fibrosis. Also called: Idiopathic fibrosing alveolitis, chronic form; idiopathic fibrosing alveolitis. Identifiers: Orphanet 2032, MedGen C1800706, MeSH D054990, MONDO:0800504.
Dyskeratosis congenita, autosomal dominant 2. Identifiers: MedGen C3151443, MONDO:0013521, OMIM 613989.
Dyskeratosis congenita. Identifiers: Orphanet 1775, MedGen C0265965, MONDO:0015780.

Submissions (2):

Ambry Genetics
Classification: Uncertain significance for Dyskeratosis congenita. Last evaluated: 2023-08-28. Review status: criteria provided, single submitter. Criteria: Ambry Variant Classification Scheme 2023. Collection method: clinical testing. Allele origin: germline.
Comment: The p.P1091L variant (also known as c.3272C>T), located in coding exon 15 of the TERT gene, results from a C to T substitution at nucleotide position 3272. The proline at codon 1091 is replaced by leucine, an amino acid with similar properties. This amino acid position is conserved. In addition, this alteration is predicted to be tolerated by in silico analysis. Since supporting evidence is limited at this time, the clinical significance of this alteration remains unclear.

Labcorp Genetics (formerly Invitae), Labcorp
Classification: Uncertain significance for Dyskeratosis congenita, autosomal dominant 2; Idiopathic Pulmonary Fibrosis. Last evaluated: 2022-03-08. Review status: criteria provided, single submitter. Criteria: Invitae Variant Classification Sherloc (09022015). Collection method: clinical testing. Allele origin: germline.
Comment: In summary, the available evidence is currently insufficient to determine the role of this variant in disease. Therefore, it has been classified as a Variant of Uncertain Significance. Advanced modeling of protein sequence and biophysical properties (such as structural, functional, and spatial information, amino acid conservation, physicochemical variation, residue mobility, and thermodynamic stability) performed at Invitae indicates that this missense variant is not expected to disrupt TERT protein function. ClinVar contains an entry for this variant (Variation ID: 933733). This variant has not been reported in the literature in individuals affected with TERT-related conditions. This variant is not present in population databases (gnomAD no frequency). This sequence change replaces proline, which is neutral and non-polar, with leucine, which is neutral and non-polar, at codon 1091 of the TERT protein (p.Pro1091Leu).

NM_198253.3(TERT):c.3272C>T (p.Pro1091Leu)

Gene: TERT (telomerase reverse transcriptase; minus strand). Cytogenetic location: 5p15.33.
Variant type: single nucleotide variant.
Coding change: c.3272C>T on transcript NM_198253.3 (MANE Select); coding-DNA position 3272, C replaced by T.
Protein change: p.Pro1091Leu; replaces proline 1091 with leucine.
Molecular consequence: missense variant. On other transcripts: non-coding transcript variant (2).
Genome position (GRCh38, 1-based): chr5:1,254,391, G>A on the plus strand (C>T on the coding strand, the complement: TERT is on the minus strand). VCF-style: chr5-1254391-G-A. GRCh37 (hg19) VCF-style: chr5-1254506-G-A.
Other names: c.3083C>T, p.Pro1028Leu (NM_001193376.3); short protein forms P1028L, P1091L.
Identifiers: ClinVar variation 933733 (VCV000933733.9), dbSNP rs1217591907, ClinGen allele CA359067134.